The following is an entry in ClinVar:

NM_001267550.2(TTN):c.95669del (p.Gly31890fs)

Genes: TTN-AS1 (TTN antisense RNA 1; plus strand), TTN (titin; minus strand). Cytogenetic location: 2q31.2.
Variant type: Deletion.
Coding change: c.95669del on transcript NM_001267550.2 (MANE Select); coding-DNA position 95669, one base deleted (G; older notation c.95669delG).
Protein change: p.Gly31890fs; shifts the reading frame from glycine 31890.
Molecular consequence: frameshift variant.
Genome position (GRCh38, 1-based): chr2:178,545,441, C deleted on the plus strand (G on the coding strand, the reverse complement: TTN is on the minus strand); the first of 2 consecutive C bases (chr2:178,545,441-178,545,442); deleting either gives the same sequence. VCF-style (leftmost placement, unchanged base first): chr2-178545440-AC-A. GRCh37 (hg19) VCF-style: chr2-179410167-AC-A.
Other names: c.90746del, p.Gly30249fs (NM_001256850.1); c.68474del, p.Gly22825fs (NM_003319.4); c.87965del, p.Gly29322fs (NM_133378.4); c.68849del, p.Gly22950fs (NM_133432.3); c.69050del, p.Gly23017fs (NM_133437.4); short protein forms G22825fs, G22950fs, G23017fs, G29322fs, G30249fs, G31890fs.
Identifiers: ClinVar variation 1066284 (VCV001066284.9), dbSNP rs2154145062, ClinGen allele CA2499215304.

ClinVar aggregate classification (germline): Likely pathogenic (1 of 4 stars; one submission).

Conditions:
Dilated cardiomyopathy 1G (CMD1G). Identifiers: Orphanet 154, MedGen C1858763, MONDO:0011400, OMIM 604145.
Autosomal recessive limb-girdle muscular dystrophy type 2J (LGMDR10). Also called: Limb-girdle muscular dystrophy, type 2J; MUSCULAR DYSTROPHY, LIMB-GIRDLE, AUTOSOMAL RECESSIVE 10. Identifiers: Orphanet 140922, MedGen C1837342, MONDO:0012127, OMIM 608807.

Submission:

Labcorp Genetics (formerly Invitae), Labcorp
Classification: Likely pathogenic for Dilated cardiomyopathy 1G; Autosomal recessive limb-girdle muscular dystrophy type 2J. Last evaluated: 2020-08-14. Review status: criteria provided, single submitter. Criteria: Invitae Variant Classification Sherloc (09022015). Collection method: clinical testing. Allele origin: germline.
Comment: This variant has not been reported in the literature in individuals with TTN-related conditions. This variant is located in the A band of TTN (PMID: 25589632). Truncating variants in this region are significantly overrepresented in patients affected with dilated cardiomyopathy (PMID: 25589632). Truncating variants in this region have also been reported in individuals affected with autosomal recessive centronuclear myopathy (PMID: 23975875). In summary, the currently available evidence indicates that the variant is pathogenic, but additional data are needed to prove that conclusively. Therefore, this variant has been classified as Likely Pathogenic. This variant is not present in population databases (ExAC no frequency). This sequence change results in a premature translational stop signal in the TTN gene (p.Gly31890Valfs*53). While this is not anticipated to result in nonsense mediated decay, it is expected to create a truncated TTN protein.

Literature cited by the submitters: PubMed 25589632; PubMed 23975875.